The following is an entry in ClinVar:

NM_152296.5(ATP1A3):c.2142T>G (p.Ala714=)

Gene: ATP1A3 (ATPase Na+/K+ transporting subunit alpha 3; minus strand). Cytogenetic location: 19q13.2.
Variant type: single nucleotide variant.
Coding change: c.2142T>G on transcript NM_152296.5 (MANE Select); coding-DNA position 2142, T replaced by G.
Protein change: p.Ala714=; no amino-acid change (alanine 714 retained).
Molecular consequence: synonymous variant.
Genome position (GRCh38, 1-based): chr19:41,975,750, A>C on the plus strand (T>G on the coding strand, the complement: ATP1A3 is on the minus strand). VCF-style: chr19-41975750-A-C. GRCh37 (hg19) VCF-style: chr19-42479902-A-C.
Other names: c.2175T>G, p.Ala725= (NM_001256213.2); c.2181T>G, p.Ala727= (NM_001256214.2).
Identifiers: ClinVar variation 4873007 (VCV004873007.2).

ClinVar aggregate classification (germline): Likely benign (1 of 4 stars; one submission).

Submission:

CeGaT Center for Human Genetics Tuebingen
Classification: Likely benign. Last evaluated: 2026-04-01. Review status: criteria provided, single submitter. Criteria: CeGaT Center For Human Genetics Tuebingen Variant Classification Criteria Version 2. Collection method: clinical testing. Allele origin: germline. Affected: yes. Observed: 1 variant allele.
Comment: ATP1A3: PM2:Supporting, BP4, BP7